The following is an entry in ClinVar:

NM_001113378.2(FANCI):c.3720+10T>C

Gene: FANCI (FA complementation group I; plus strand). Cytogenetic location: 15q26.1.
Variant type: single nucleotide variant.
Coding change: c.3720+10T>C on transcript NM_001113378.2 (MANE Select); 10 bases into the intron after coding-DNA position 3720, T replaced by C.
Molecular consequence: intron variant.
Genome position (GRCh38, 1-based): chr15:89,312,982, T>C. VCF-style: chr15-89312982-T-C. GRCh37 (hg19) VCF-style: chr15-89856213-T-C.
Other names: c.3540+10T>C (NM_018193.3); c.3720+10T>C (NM_001376911.1); c.3441+10T>C (NM_001376910.1).
Identifiers: ClinVar variation 702513 (VCV000702513.11), dbSNP rs756636181, ClinGen allele CA7723848.

ClinVar aggregate classification (germline): Likely benign. Review status: criteria provided, single submitter (1 of 4 stars). 2 submissions from 2 submitters: Likely benign (1). 1 of the submissions does not count toward it. Last evaluated 2025-12-06.

Conditions:
Fanconi anemia (FA). Also called: Fanconi's anemia. Identifiers: Orphanet 84, MedGen C0015625, MeSH D005199, MONDO:0019391.
FANCI-related disorder. Also called: FANCI-related condition.

Allele frequency attached by ClinVar (database versions not stated): TOPMed 0.00002; gnomAD 0.00003 and 0.00004; gnomAD exomes 0.00004 and 0.00007; ExAC 0.00007.
gnomAD v4.1: 27 of 1,613,584 alleles (0.0017%); highest among the groups gnomAD compares: Admixed American, 0.038%; no homozygotes.

Submissions (2):

Labcorp Genetics (formerly Invitae), Labcorp
Classification: Likely benign for Fanconi anemia. Last evaluated: 2025-12-06. Review status: criteria provided, single submitter. Criteria: Invitae Variant Classification Sherloc (09022015). Collection method: clinical testing. Allele origin: germline.

PreventionGenetics, part of Exact Sciences
Classification: Likely benign for FANCI-related condition. Last evaluated: 2022-06-22. Review status: no assertion criteria provided. Collection method: clinical testing. Allele origin: germline. Not counted in ClinVar's aggregate classification.
Comment: This variant is classified as likely benign based on ACMG/AMP sequence variant interpretation guidelines (Richards et al. 2015 PMID: 25741868, with internal and published modifications).